The following is an entry in ClinVar:

ClinVar aggregate classification (germline): Uncertain significance (1 of 4 stars; one submission).

Conditions:
Osteogenesis imperfecta type I (OI1). Also called: OI, TYPE I; OSTEOGENESIS IMPERFECTA TARDA; OSTEOGENESIS IMPERFECTA WITH BLUE SCLERAE; Osteogenesis imperfecta type 1; Classic Non-deforming Osteogenesis Imperfecta with Blue Sclerae; Lobstein's Disease. Identifiers: Orphanet 216796, Orphanet 666, MedGen C0023931, MONDO:0008146, OMIM 166200. Disease mechanism: loss of function.

Submission:

Labcorp Genetics (formerly Invitae), Labcorp
Classification: Uncertain significance for Osteogenesis imperfecta type I. Last evaluated: 2025-07-22. Review status: criteria provided, single submitter. Criteria: Invitae Variant Classification Sherloc (09022015). Collection method: clinical testing. Allele origin: germline.
Comment: This sequence change replaces proline, which is neutral and non-polar, with threonine, which is neutral and polar, at codon 870 of the COL1A1 protein (p.Pro870Thr). This variant is not present in population databases (gnomAD no frequency). This variant has not been reported in the literature in individuals affected with COL1A1-related conditions. Invitae Evidence Modeling of protein sequence and biophysical properties (such as structural, functional, and spatial information, amino acid conservation, physicochemical variation, residue mobility, and thermodynamic stability) has been performed for this missense variant. However, the output from this modeling did not meet the statistical confidence thresholds required to predict the impact of this variant on COL1A1 protein function. In summary, the available evidence is currently insufficient to determine the role of this variant in disease. Therefore, it has been classified as a Variant of Uncertain Significance.

NM_000088.4(COL1A1):c.2608C>A (p.Pro870Thr)

Gene: COL1A1 (collagen type I alpha 1 chain; minus strand). Cytogenetic location: 17q21.33.
Variant type: single nucleotide variant.
Coding change: c.2608C>A on transcript NM_000088.4 (MANE Select); coding-DNA position 2608, C replaced by A.
Protein change: p.Pro870Thr; replaces proline 870 with threonine.
Molecular consequence: missense variant.
Genome position (GRCh38, 1-based): chr17:50,189,864, G>T on the plus strand (C>A on the coding strand, the complement: COL1A1 is on the minus strand). VCF-style: chr17-50189864-G-T. GRCh37 (hg19) VCF-style: chr17-48267225-G-T.
Other names: short protein forms P870T.
Identifiers: ClinVar variation 4707807 (VCV004707807.1).